The following is an entry in ClinVar:

ClinVar aggregate classification (germline): Likely benign. Review status: criteria provided, multiple submitters, no conflicts (2 of 4 stars). 5 submissions from 5 submitters: Likely benign (5). Last evaluated 2025-08-30.

Conditions:
Familial thoracic aortic aneurysm and aortic dissection (TAAD). Also called: Thoracic aortic aneurysms and dissections. Identifiers: Orphanet 91387, MedGen C4707243, MONDO:0019625.
Aortic aneurysm, familial thoracic 4 (AAT4). Also called: AORTIC ANEURYSM/AORTIC DISSECTION AND PATENT DUCTUS ARTERIOSUS. Identifiers: MedGen C1851504, MONDO:0007568, OMIM 132900.

Allele frequency attached by ClinVar (database versions not stated): TOPMed below 0.00001; ExAC 0.00001; gnomAD exomes 0.00001.
gnomAD v4.1: 25 of 1,614,110 alleles (0.0015%); highest among the groups gnomAD compares: Non-Finnish European, 0.0018%; no homozygotes.

Submissions (5):

Labcorp Genetics (formerly Invitae), Labcorp
Classification: Likely benign for Aortic aneurysm, familial thoracic 4. Last evaluated: 2025-08-30. Review status: criteria provided, single submitter. Criteria: Invitae Variant Classification Sherloc (09022015). Collection method: clinical testing. Allele origin: germline.

All of Us Research Program, National Institutes of Health
Classification: Likely benign for Familial thoracic aortic aneurysm and aortic dissection. Last evaluated: 2023-06-08. Review status: criteria provided, single submitter. Criteria: ACMG Guidelines, 2015. Collection method: clinical testing. Allele origin: germline. Inheritance: Autosomal dominant inheritance. Observed: 1 variant allele, 1 heterozygote.
Comment: This study involves interpretation of variants in research participants for the purpose of population health screening. Participant phenotype was not available at the time of variant classification. Additional details can be found in publication PMID: 35346344, PMCID: PMC8962531

Ambry Genetics
Classification: Likely benign for Familial thoracic aortic aneurysm and aortic dissection. Last evaluated: 2021-09-26. Review status: criteria provided, single submitter. Criteria: Ambry Variant Classification Scheme 2023. Collection method: clinical testing. Allele origin: germline.

Color Diagnostics, LLC DBA Color Health
Classification: Likely benign for Familial thoracic aortic aneurysm and aortic dissection. Last evaluated: 2018-11-08. Review status: criteria provided, single submitter. Criteria: ACMG Guidelines, 2015. Collection method: clinical testing. Allele origin: germline.

GeneDx
Classification: Likely benign. Last evaluated: 2017-08-29. Review status: criteria provided, single submitter. Criteria: GeneDx Variant Classification (06012015). Collection method: clinical testing. Allele origin: germline. Affected: yes.
Comment: This variant is considered likely benign or benign based on one or more of the following criteria: it is a conservative change, it occurs at a poorly conserved position in the protein, it is predicted to be benign by multiple in silico algorithms, and/or has population frequency not consistent with disease.

NM_002474.3(MYH11):c.4872G>A (p.Gly1624=)

Genes: MYH11 (myosin heavy chain 11; minus strand), NDE1 (nudE neurodevelopment protein 1; plus strand). Cytogenetic location: 16p13.11.
Variant type: single nucleotide variant.
Coding change: c.4872G>A on transcript NM_002474.3 (MANE Select); coding-DNA position 4872, G replaced by A.
Protein change: p.Gly1624=; no amino-acid change (glycine 1624 retained).
Molecular consequence: synonymous variant. On other transcripts: intron variant (2).
Genome position (GRCh38, 1-based): chr16:15,720,232, C>T on the plus strand (G>A on the coding strand, the complement: MYH11 is on the minus strand). VCF-style: chr16-15720232-C-T. GRCh37 (hg19) VCF-style: chr16-15814089-C-T.
Other names: c.4893G>A, p.Gly1631= (NM_001040113.2, NM_001040114.2); c.4872G>A, p.Gly1624= (NM_022844.3); c.948-3959C>T (NM_001143979.2, NM_017668.3).
Identifiers: ClinVar variation 511745 (VCV000511745.10), dbSNP rs764800035, ClinGen allele CA7921520.
Genomic context (GRCh38, chr16:15,720,232, plus strand): 5'-GATGGCTTCCTCCCTCCCCTTGATGGCAGAGTCGGCCTGAAGCTCCAGGTCTTTCAGGTC[C>T]CCTTCCAGCTTCTTCTTTGCTGCAGCTGCCAGGGCACGTTGCTTTCGCTCGTCTTCCAGT-3'
Protein context (NP_002465.1, residues 1614-1634): LAAAAKKKLE[Gly1624=]DLKDLELQAD